The following is an entry in ClinVar:

ClinVar aggregate classification (germline): Uncertain significance (1 of 4 stars; one submission).

Submission:

Greenwood Genetic Center Diagnostic Laboratories, Greenwood Genetic Center
Classification: Uncertain significance. Last evaluated: 2024-11-13. Review status: criteria provided, single submitter. Criteria: ACMG Guidelines, 2015. Collection method: clinical testing. Allele origin: germline. Affected: yes.
Comment: PM2, BP4, PP2

NM_001348323.3(TRIP12):c.5054G>C (p.Gly1685Ala)

Gene: TRIP12 (thyroid hormone receptor interactor 12; minus strand). Cytogenetic location: 2q36.3.
Variant type: single nucleotide variant.
Coding change: c.5054G>C on transcript NM_001348323.3 (MANE Select); coding-DNA position 5054, G replaced by C.
Protein change: p.Gly1685Ala; replaces glycine 1685 with alanine.
Molecular consequence: missense variant.
Genome position (GRCh38, 1-based): chr2:229,785,797, C>G on the plus strand (G>C on the coding strand, the complement: TRIP12 is on the minus strand). VCF-style: chr2-229785797-C-G. GRCh37 (hg19) VCF-style: chr2-230650513-C-G.
Other names: c.4973G>C, p.Gly1658Ala (NM_001284214.2, NM_001348315.2); c.4928G>C, p.Gly1643Ala (NM_001284215.2, NM_001348316.2); c.4019G>C, p.Gly1340Ala (NM_001284216.2); c.4913G>C, p.Gly1638Ala (NM_001348317.1, NM_001348318.2); c.5039G>C, p.Gly1680Ala (NM_001348319.1, NM_001348320.2); c.5042G>C, p.Gly1681Ala (NM_001348321.1); c.5054G>C, p.Gly1685Ala (NM_001348322.1, NM_001348324.2, NM_001348325.2 and 2 more transcripts); c.5057G>C, p.Gly1686Ala (NM_001348328.1, NM_001348329.2, NM_001348330.2); and 4 more; short protein forms G1340A, G1610A, G1611A, G1638A, G1643A, G1651A, G1658A, G1659A.
Identifiers: ClinVar variation 3765765 (VCV003765765.1).
Genomic context (GRCh38, chr2:229,785,797, plus strand): 5'-TCACCAGACTCCAAGCTCACCTCATTTTCATACTGGATTTCTAACATGGCCCGTGAGCTG[C>G]CGAGGTCCTGCATCACAGACTCCGCCTGTTTCAGCAGCTCCTCTCGGTTCACAGTACGCT-3'
Protein context (NP_001335252.1, residues 1675-1695): KQAESVMQDL[Gly1685Ala]SSRAMLEIQY